The following is an entry in ClinVar:

NM_002246.3(KCNK3):c.100G>A (p.Glu34Lys)

Gene: KCNK3 (potassium two pore domain channel subfamily K member 3; plus strand). Cytogenetic location: 2p23.3.
Variant type: single nucleotide variant.
Coding change: c.100G>A on transcript NM_002246.3 (MANE Select); coding-DNA position 100, G replaced by A.
Protein change: p.Glu34Lys; replaces glutamic acid 34 with lysine.
Molecular consequence: missense variant.
Genome position (GRCh38, 1-based): chr2:26,692,975, G>A. VCF-style: chr2-26692975-G-A. GRCh37 (hg19) VCF-style: chr2-26915843-G-A.
Other names: short protein forms E34K.
Identifiers: ClinVar variation 474316 (VCV000474316.8), dbSNP rs1553383771, ClinGen allele CA346261022.

ClinVar aggregate classification (germline): Uncertain significance (1 of 4 stars; one submission).

Conditions:
Pulmonary hypertension, primary, 4. Identifiers: Orphanet 422, MedGen C3809198, MONDO:0014136, OMIM 615344.

gnomAD v4.1: 1 of 1,571,130 alleles (0.000064%); highest among the groups gnomAD compares: Non-Finnish European, 0.000086%; no homozygotes.

Submission:

Labcorp Genetics (formerly Invitae), Labcorp
Classification: Uncertain significance for Pulmonary hypertension, primary, 4. Last evaluated: 2017-06-19. Review status: criteria provided, single submitter. Criteria: Invitae Variant Classification Sherloc (09022015). Collection method: clinical testing. Allele origin: germline.
Comment: In summary, this variant has uncertain impact on KCNK3 function. The available evidence is currently insufficient to determine its role in disease. Therefore, it has been classified as a Variant of Uncertain Significance. Algorithms developed to predict the effect of missense changes on protein structure and function do not agree on the potential impact of this missense change (SIFT: "Deleterious"; PolyPhen-2: "Probably Damaging"; Align-GVGD: "Class C0"). This variant has not been reported in the literature in individuals with a KCNK3-related disease. While this variant is not present in population databases, the frequency information is unreliable, as metrics indicate poor data quality at this position in the ExAC database. This sequence change replaces glutamic acid with lysine at codon 34 of the KCNK3 protein (p.Glu34Lys). The glutamic acid residue is moderately conserved and there is a small physicochemical difference between glutamic acid and lysine.